The following is an entry in ClinVar:

ClinVar aggregate classification (germline): Likely pathogenic (1 of 4 stars; one submission).

Conditions:
Spermatogenic failure 94. Identifiers: MedGen C5935627, MONDO:0971002, OMIM 620850.

Submission:

First Genomix Gene Laboratory, Genetic Diagnostics Department
Classification: Likely pathogenic for Spermatogenic failure 94. Last evaluated: 2025-05-27. Review status: criteria provided, single submitter. Criteria: ACMG Guidelines, 2015. Collection method: clinical testing. Allele origin: germline. Inheritance: Autosomal recessive inheritance. Affected: no. Observed: 1 variant allele.

NM_020879.3(CCDC146):c.450-1G>T

Gene: CCDC146 (coiled-coil domain containing 146; plus strand). Cytogenetic location: 7q11.23.
Variant type: single nucleotide variant.
Coding change: c.450-1G>T on transcript NM_020879.3 (MANE Select); the canonical splice acceptor site of the intron before coding-DNA position 450, G replaced by T.
Molecular consequence: splice acceptor variant.
Genome position (GRCh38, 1-based): chr7:77,254,505, G>T. VCF-style: chr7-77254505-G-T. GRCh37 (hg19) VCF-style: chr7-76883822-G-T.
Identifiers: ClinVar variation 4849405 (VCV004849405.1).